The following is an entry in ClinVar:

ClinVar aggregate classification (germline): Benign (0 of 4 stars; one submission).

Conditions:
NRP1-related disorder. Also called: NRP1-related condition.

Allele frequency attached by ClinVar (database versions not stated): gnomAD exomes 0.00514; ExAC 0.01576; gnomAD 0.04725; TOPMed 0.05324; ESP Exome Variant Server 0.05390; 1000 Genomes Project 0.05950; 1000 Genomes Project 30x 0.06496.
gnomAD v4.1: 15,046 of 1,614,054 alleles (0.93%); highest among the groups gnomAD compares: African/African-American, 17%; 1,072 homozygotes.

Submission:

PreventionGenetics, part of Exact Sciences
Classification: Benign for NRP1-related condition. Last evaluated: 2019-11-25. Review status: no assertion criteria provided. Collection method: clinical testing. Allele origin: germline.
Comment: This variant is classified as benign based on ACMG/AMP sequence variant interpretation guidelines (Richards et al. 2015 PMID: 25741868, with internal and published modifications).

NM_003873.7(NRP1):c.747C>T (p.Thr249=)

Gene: NRP1 (neuropilin 1; minus strand). Cytogenetic location: 10p11.22.
Variant type: single nucleotide variant.
Coding change: c.747C>T on transcript NM_003873.7 (MANE Select); coding-DNA position 747, C replaced by T.
Protein change: p.Thr249=; no amino-acid change (threonine 249 retained).
Molecular consequence: synonymous variant. On other transcripts: non-coding transcript variant (1).
Genome position (GRCh38, 1-based): chr10:33,256,383, G>A on the plus strand (C>T on the coding strand, the complement: NRP1 is on the minus strand). VCF-style: chr10-33256383-G-A. GRCh37 (hg19) VCF-style: chr10-33545311-G-A.
Other names: c.747C>T, p.Thr249= (NM_001024628.3, NM_001024629.3, NM_001244972.2 and 2 more transcripts).
Identifiers: ClinVar variation 3056553 (VCV003056553.2), dbSNP rs16934288, ClinGen allele CA5466878.